The following is an entry in ClinVar:

NM_001007527.2(LMBRD2):c.581G>A (p.Gly194Asp)

Gene: LMBRD2 (LMBR1 domain containing 2; minus strand). Cytogenetic location: 5p13.2.
Variant type: single nucleotide variant.
Coding change: c.581G>A on transcript NM_001007527.2 (MANE Select); coding-DNA position 581, G replaced by A.
Protein change: p.Gly194Asp; replaces glycine 194 with aspartic acid.
Molecular consequence: missense variant.
Genome position (GRCh38, 1-based): chr5:36,136,475, C>T on the plus strand (G>A on the coding strand, the complement: LMBRD2 is on the minus strand). VCF-style: chr5-36136475-C-T. GRCh37 (hg19) VCF-style: chr5-36136577-C-T.
Other names: short protein forms G194D.
Identifiers: ClinVar variation 1690363 (VCV001690363.2), dbSNP rs2111900110, ClinGen allele CA359452288.

ClinVar aggregate classification (germline): VUS-high. Review status: criteria provided, single submitter (1 of 4 stars). 2 submissions from 2 submitters: VUS-high (1). 1 of the submissions does not count toward it. Last evaluated 2026-10-22.

Conditions:
Developmental delay with variable neurologic and brain abnormalities (MLHNS). Also called: MALHOTRA NEURODEVELOPMENTAL SYNDROME. Identifiers: MedGen C5562060, MONDO:0859218, OMIM 619694.

Submissions (2):

Genetics Department, University Hospital of Toulouse
Classification: VUS-high for Developmental delay with variable neurologic and brain abnormalities. Last evaluated: 2026-10-22. Review status: criteria provided, single submitter. Criteria: ACMG Guidelines, 2015. Collection method: clinical testing. Allele origin: unknown. Inheritance: Autosomal dominant inheritance. Affected: yes.
Comment: This variant is not observed in version 4.1.2 of the Genome Aggregation Database. Multiple lines of computational evidence suggest the variant may impact the gene or gene product. Based on the available evidence, the c.581G>A p.(Gly194Asp) variant has been classified as a variant of uncertain significance for developmental delay with variable neurologic and brain abnormalities.

Joint Genome Diagnostic Labs from Nijmegen and Maastricht, Radboudumc and MUMC+
Classification: Uncertain significance. Review status: no assertion criteria provided. Collection method: clinical testing. Allele origin: germline. Affected: yes. Not counted in ClinVar's aggregate classification.